The following is an entry in ClinVar:

NM_007294.4(BRCA1):c.2257A>G (p.Ser753Gly)

Gene: BRCA1 (BRCA1 DNA repair associated; minus strand). Cytogenetic location: 17q21.31.
Variant type: single nucleotide variant.
Coding change: c.2257A>G on transcript NM_007294.4 (MANE Select); coding-DNA position 2257, A replaced by G.
Protein change: p.Ser753Gly; replaces serine 753 with glycine.
Molecular consequence: missense variant. On other transcripts: intron variant (137).
Genome position (GRCh38, 1-based): chr17:43,093,274, T>C on the plus strand (A>G on the coding strand, the complement: BRCA1 is on the minus strand). VCF-style: chr17-43093274-T-C. GRCh37 (hg19) VCF-style: chr17-41245291-T-C.
Other names: c.661+1470A>G (NM_001408448.1, NM_001408445.1, NM_001408446.1 and 6 more transcripts); c.668-2242A>G (NM_001408421.1, NM_001408431.1, NM_001408424.1); c.784+1470A>G (NM_001407991.1, NM_001408397.1, NM_001408401.1 and 13 more transcripts); c.664+1470A>G (NM_001408427.1, NM_001408436.1, NM_001408444.1 and 12 more transcripts); c.523+1470A>G (NM_001408496.1, NM_001408498.1, NM_001408501.1 and 3 more transcripts); c.646+1470A>G (NM_001408460.1, NM_001408454.1, NM_001408458.1 and 11 more transcripts); c.706+1470A>G (NM_001408413.1, NM_001408416.1); c.586+1470A>G (NM_001408476.1, NM_001408474.1); and 41 more; short protein forms S457G, S585G, S625G, S626G, S641G, S642G, S664G, S665G.
Identifiers: ClinVar variation 4800848 (VCV004800848.1).

ClinVar aggregate classification (germline): Uncertain significance (1 of 4 stars; one submission).

Conditions:
Hereditary breast ovarian cancer syndrome. Also called: Hereditary breast and ovarian cancer syndrome (HBOC); Hereditary breast and ovarian cancer; Breast and ovarian cancer; Hereditary breast and/or ovarian cancer syndrome; BRCA1- and BRCA2-Associated Hereditary Breast and Ovarian Cancer; Hereditary breast and ovarian cancer syndrome. Identifiers: Orphanet 145, MedGen C0677776, MeSH D061325, MONDO:0003582. Disease mechanism: loss of function.

Submission:

Labcorp Genetics (formerly Invitae), Labcorp
Classification: Uncertain significance for Hereditary breast ovarian cancer syndrome. Last evaluated: 2025-06-23. Review status: criteria provided, single submitter. Criteria: Invitae Variant Classification Sherloc (09022015). Collection method: clinical testing. Allele origin: germline.
Comment: This sequence change replaces serine, which is neutral and polar, with glycine, which is neutral and non-polar, at codon 753 of the BRCA1 protein (p.Ser753Gly). This variant is not present in population databases (gnomAD no frequency). This variant has not been reported in the literature in individuals affected with BRCA1-related conditions. Invitae Evidence Modeling of protein sequence and biophysical properties (such as structural, functional, and spatial information, amino acid conservation, physicochemical variation, residue mobility, and thermodynamic stability) indicates that this missense variant is not expected to disrupt BRCA1 protein function with a negative predictive value of 80%. In summary, the available evidence is currently insufficient to determine the role of this variant in disease. Therefore, it has been classified as a Variant of Uncertain Significance.